The following is an entry in ClinVar:

NM_001042492.3(NF1):c.8386A>C (p.Lys2796Gln)

Gene: NF1 (neurofibromin 1; plus strand). Cytogenetic location: 17q11.2.
Variant type: single nucleotide variant.
Coding change: c.8386A>C on transcript NM_001042492.3 (MANE Select); coding-DNA position 8386, A replaced by C.
Protein change: p.Lys2796Gln; replaces lysine 2796 with glutamine.
Molecular consequence: missense variant.
Genome position (GRCh38, 1-based): chr17:31,374,021, A>C. VCF-style: chr17-31374021-A-C. GRCh37 (hg19) VCF-style: chr17-29701039-A-C.
Other names: c.8323A>C, p.Lys2775Gln (NM_000267.4); short protein forms K2796Q, K2775Q.
Identifiers: ClinVar variation 485942 (VCV000485942.18), dbSNP rs1383658117, ClinGen allele CA399205862.

ClinVar aggregate classification (germline): Conflicting classifications of pathogenicity. Review status: criteria provided, conflicting classifications (1 of 4 stars). 5 submissions from 5 submitters: Uncertain significance (3); Likely benign (2). Last evaluated 2025-12-18.

Conditions:
Cardiovascular phenotype. Identifiers: MedGen CN230736.
Hereditary cancer-predisposing syndrome. Also called: Tumor predisposition; Neoplastic Syndromes, Hereditary; Hereditary Cancer Syndrome; Hereditary neoplastic syndrome. Identifiers: Orphanet 140162, MedGen C0027672, MeSH D009386, MONDO:0015356.
Neurofibromatosis, type 1 (NF1). Also called: NEUROFIBROMATOSIS, TYPE I, SOMATIC; VON RECKLINGHAUSEN DISEASE; Neurofibromatosis, type I; Peripheral type neurofibromatosis. Identifiers: Orphanet 636, MedGen C0027831, MONDO:0018975, OMIM 162200. Disease mechanism: loss of function.

Allele frequency attached by ClinVar (database versions not stated): gnomAD 0.00001; gnomAD exomes 0.00001 and 0.00002; TOPMed 0.00001.
gnomAD v4.1: 6 of 1,614,064 alleles (0.00037%); highest among the groups gnomAD compares: East Asian, 0.013%; no homozygotes.

Submissions (5):

Labcorp Genetics (formerly Invitae), Labcorp
Classification: Likely benign for Neurofibromatosis, type 1. Last evaluated: 2025-12-18. Review status: criteria provided, single submitter. Criteria: Invitae Variant Classification Sherloc (09022015). Collection method: clinical testing. Allele origin: germline.

GeneDx
Classification: Uncertain significance. Last evaluated: 2023-03-07. Review status: criteria provided, single submitter. Criteria: GeneDx Variant Classification Process June 2021. Collection method: clinical testing. Allele origin: germline. Affected: yes.
Comment: In silico analysis supports that this missense variant does not alter protein structure/function; Observed in a patient with clinical features suspicious for NF1, reported as c.8386A>C (Wu-Chou et al., 2018); This variant is associated with the following publications: (PMID: 25486365, 30290804)

Ambry Genetics
Classification: Likely benign for Cardiovascular phenotype; Hereditary cancer-predisposing syndrome. Last evaluated: 2023-01-23. Review status: criteria provided, single submitter. Criteria: Ambry Variant Classification Scheme 2023. Collection method: clinical testing. Allele origin: germline.

Genome-Nilou Lab
Classification: Uncertain significance for Neurofibromatosis, type 1. Last evaluated: 2022-03-15. Review status: criteria provided, single submitter. Criteria: ACMG Guidelines, 2015. Collection method: clinical testing. Allele origin: germline. Affected: no.

Genome Diagnostics Laboratory, The Hospital for Sick Children
Classification: Uncertain significance for Neurofibromatosis, type 1. Last evaluated: 2020-10-26. Review status: criteria provided, single submitter. Criteria: ACMG Guidelines, 2015. Collection method: clinical testing. Allele origin: germline. Affected: yes.